The following is an entry in ClinVar:

NM_002878.4(RAD51D):c.739-12T>C

Genes: RAD51D (RAD51 paralog D; minus strand), RAD51L3-RFFL (RAD51L3-RFFL readthrough; minus strand). Cytogenetic location: 17q12.
Variant type: single nucleotide variant.
Coding change: c.739-12T>C on transcript NM_002878.4 (MANE Select); 12 bases into the intron before coding-DNA position 739, T replaced by C.
Molecular consequence: intron variant.
Genome position (GRCh38, 1-based): chr17:35,101,377, A>G on the plus strand (T>C on the coding strand, the complement: RAD51D is on the minus strand). VCF-style: chr17-35101377-A-G. GRCh37 (hg19) VCF-style: chr17-33428396-A-G.
Other names: c.403-12T>C (NM_133629.3); c.799-12T>C (NM_001142571.2).
Identifiers: ClinVar variation 2805343 (VCV002805343.3), dbSNP rs2142412703, ClinGen allele CA2739267494.

ClinVar aggregate classification (germline): Uncertain significance (1 of 4 stars; one submission).

Conditions:
Breast-ovarian cancer, familial, susceptibility to, 4. Identifiers: Orphanet 145, MedGen C3280345, MONDO:0013669, OMIM 614291.

Submission:

Labcorp Genetics (formerly Invitae), Labcorp
Classification: Uncertain significance for Breast-ovarian cancer, familial, susceptibility to, 4. Last evaluated: 2023-02-23. Review status: criteria provided, single submitter. Criteria: Invitae Variant Classification Sherloc (09022015). Collection method: clinical testing. Allele origin: germline.
Comment: In summary, the available evidence is currently insufficient to determine the role of this variant in disease. Therefore, it has been classified as a Variant of Uncertain Significance. Algorithms developed to predict the effect of sequence changes on RNA splicing suggest that this variant may create or strengthen a splice site. This variant has not been reported in the literature in individuals affected with RAD51D-related conditions. This variant is not present in population databases (gnomAD no frequency). This sequence change falls in intron 8 of the RAD51D gene. It does not directly change the encoded amino acid sequence of the RAD51D protein.